The following is an entry in ClinVar:

NM_007294.4(BRCA1):c.2126_2127del (p.Phe709fs)

Gene: BRCA1 (BRCA1 DNA repair associated; minus strand). Cytogenetic location: 17q21.31.
Variant type: Deletion.
Coding change: c.2126_2127del on transcript NM_007294.4 (MANE Select); coding-DNA positions 2126 to 2127, 2 bases deleted (TT; older notation c.2126_2127delTT).
Protein change: p.Phe709fs; shifts the reading frame from phenylalanine 709.
Molecular consequence: frameshift variant. On other transcripts: intron variant (137).
Genome position (GRCh38, 1-based): chr17:43,093,404-43,093,405, AA deleted on the plus strand (TT on the coding strand, the reverse complement: BRCA1 is on the minus strand); deleting any 2 consecutive bases within chr17:43,093,404-43,093,407 gives the same sequence; the c. name uses the placement nearest the transcript's 3' end. VCF-style (leftmost placement, unchanged base first): chr17-43093403-TAA-T. GRCh37 (hg19) VCF-style: chr17-41245420-TAA-T.
Other names: 2245delTT; c.2126_2127delTT (NM_007294.3); c.2123_2124del, p.Phe708fs (NM_001407634.1, NM_001407635.1, NM_001407636.1 and 22 more transcripts); c.2126_2127del, p.Phe709fs (NM_001407639.1, NM_001407640.1, NM_001407641.1 and 30 more transcripts); c.2117_2118del, p.Phe706fs (NM_001407646.1, NM_001407647.1); c.2003_2004del, p.Phe668fs (NM_001407648.1, NM_001407664.1, NM_001407665.1 and 19 more transcripts); c.2000_2001del, p.Phe667fs (NM_001407649.1, NM_001407670.1, NM_001407671.1 and 11 more transcripts); c.2048_2049del, p.Phe683fs (NM_001407653.1, NM_001407654.1, NM_001407655.1 and 4 more transcripts); and 43 more; short protein forms F709fs, F662fs, F413fs, F598fs, F682fs, F683fs, F541fs, F581fs.
Identifiers: ClinVar variation 54470 (VCV000054470.12), dbSNP rs397508939, ClinGen allele CA001419.
Genomic context (GRCh38, chr17:43,093,403, plus strand): 5'-CTTCTCTTGGAAGGCTAGGATTGACAAATTCTTTAAGTTCACTGGTATTTGAACACTTAG[TAA>T]AAGAACCAGGTGCATTTGTTAACTTCAGCTCTGGGAAAGTATCGCTGTCATGTCTTTTAC-3'

ClinVar aggregate classification (germline): Pathogenic. Review status: reviewed by expert panel (3 of 4 stars). 5 submissions from 5 submitters: Pathogenic (1). 4 of the submissions do not count toward it. Last evaluated 2016-10-18.

Conditions:
Inherited breast cancer and ovarian cancer.
Hereditary cancer-predisposing syndrome. Also called: Tumor predisposition; Neoplastic Syndromes, Hereditary; Hereditary Cancer Syndrome; Hereditary neoplastic syndrome. Identifiers: Orphanet 140162, MedGen C0027672, MeSH D009386, MONDO:0015356.
Hereditary breast ovarian cancer syndrome. Also called: Hereditary breast and ovarian cancer syndrome (HBOC); Hereditary breast and ovarian cancer syndrome; Hereditary breast and ovarian cancer; Hereditary breast and/or ovarian cancer syndrome; Breast and ovarian cancer; BRCA1- and BRCA2-Associated Hereditary Breast and Ovarian Cancer. Identifiers: Orphanet 145, MedGen C0677776, MeSH D061325, MONDO:0003582. Disease mechanism: loss of function.
Breast-ovarian cancer, familial, susceptibility to, 1 (BROVCA1). Also called: OVARIAN CANCER, SUSCEPTIBILITY TO; BRCA1 Hereditary Breast and Ovarian Cancer. Identifiers: Orphanet 145, MedGen C2676676, MONDO:0011450, OMIM 604370. Disease mechanism: loss of function.

Submissions (5):

Evidence-based Network for the Interpretation of Germline Mutant Alleles (ENIGMA)
Classification: Pathogenic for Breast-ovarian cancer, familial, susceptibility to, 1. Last evaluated: 2016-10-18. Review status: reviewed by expert panel. Criteria: ENIGMA BRCA1/2 Classification Criteria (2015). Collection method: curation. Allele origin: germline.
Comment: Variant allele predicted to encode a truncated non-functional protein.

Genetics Laboratory, Great Ormond Street Hospital NHS Foundation Trust, North Thames Genomic Laboratory Hub
Classification: Pathogenic for Inherited breast cancer and ovarian cancer. Last evaluated: 2026-03-24. Review status: criteria provided, single submitter. Criteria: CanVIG BRCA Gene Specific V1.22. Collection method: clinical testing. Allele origin: germline. Affected: yes. Not counted in ClinVar's aggregate classification.
Comment: PM2_moderate, PVS1_very-strong, PM5_strong

Consortium of Investigators of Modifiers of BRCA1/2 (CIMBA), c/o University of Cambridge
Classification: Pathogenic for Breast-ovarian cancer, familial, susceptibility to, 1. Last evaluated: 2015-10-02. Review status: criteria provided, single submitter. Criteria: CIMBA Mutation Classification guidelines May 2016. Collection method: clinical testing. Allele origin: germline. Not counted in ClinVar's aggregate classification.

Ambry Genetics
Classification: Pathogenic for Hereditary cancer-predisposing syndrome. Last evaluated: 2015-06-04. Review status: criteria provided, single submitter. Criteria: Ambry Variant Classification Scheme 2023. Collection method: clinical testing. Allele origin: germline. Not counted in ClinVar's aggregate classification.
Comment: The c.2126_2127delTT (also known as 2245delTT) pathogenic mutation, located in coding exon 9 of the BRCA1 gene, results from a deletion of two nucleotides between nucleotide positions 2126 and 2127, causing a translational frameshift with a predicted alternate stop codon. This alteration was previously identified in one family with HBOC (Kroiss R, Hum. Mutat. 2005 Dec; 26(6):583-9). In addition to the clinical data presented in the literature, since frameshifts are typically deleterious in nature, this alteration is interpreted as a disease-causing mutation (ACMG Recommendations for Standards for Interpretation and Reporting of Sequence Variations. Revision 2007. Genet Med. 2008;10:294).

Research Molecular Genetics Laboratory, Women's College Hospital, University of Toronto
Classification: Pathogenic for Hereditary breast ovarian cancer syndrome. Last evaluated: 2014-01-31. Review status: no assertion criteria provided. Collection method: research. Allele origin: germline. Affected: yes. Study: The Canadian Open Genetics Repository (COGR). Not counted in ClinVar's aggregate classification.

Literature cited by the submitters: PubMed 16287141 (cited by Ambry Genetics).